The following is an entry in ClinVar:

NM_005273.4(GNB2):c.1009A>C (p.Lys337Gln)

Gene: GNB2 (G protein subunit beta 2; plus strand). Cytogenetic location: 7q22.1.
Variant type: single nucleotide variant.
Coding change: c.1009A>C on transcript NM_005273.4 (MANE Select); coding-DNA position 1009, A replaced by C.
Protein change: p.Lys337Gln; replaces lysine 337 with glutamine.
Molecular consequence: missense variant.
Genome position (GRCh38, 1-based): chr7:100,678,787, A>C. VCF-style: chr7-100678787-A-C. GRCh37 (hg19) VCF-style: chr7-100276410-A-C.
Other names: short protein forms K337Q.
Identifiers: ClinVar variation 4071726 (VCV004071726.1).
Genomic context (GRCh38, chr7:100,678,787, plus strand): 5'-TGCCTCGGGGTCACCGACGATGGCATGGCTGTGGCCACGGGCTCCTGGGACTCCTTCCTC[A>C]AGATCTGGAACTAATGGCCCCACCCCCACTGGGCCCAGGCCAGGAGGGGCCCTGCCCATG-3'
Protein context (NP_005264.2, residues 327-340): VATGSWDSFL[Lys337Gln]IWN

ClinVar aggregate classification (germline): Uncertain significance (1 of 4 stars; one submission).

Submission:

GeneDx
Classification: Uncertain significance. Last evaluated: 2025-01-21. Review status: criteria provided, single submitter. Criteria: GeneDx Variant Classification Process June 2021. Collection method: clinical testing. Allele origin: germline. Affected: yes.
Comment: Not observed at significant frequency in large population cohorts (gnomAD); In silico analysis supports that this missense variant has a deleterious effect on protein structure/function; Has not been previously published as pathogenic or benign to our knowledge